The following is an entry in ClinVar:

ClinVar aggregate classification (germline): Likely benign. Review status: criteria provided, multiple submitters, no conflicts (2 of 4 stars). 3 submissions from 3 submitters: Likely benign (3). Last evaluated 2024-11-10.

Conditions:
Arrhythmogenic right ventricular dysplasia 5. Also called: Arrhythmogenic Right Ventricular Dysplasia/Cardiomyopathy 5; ARRHYTHMOGENIC RIGHT VENTRICULAR DYSPLASIA, FAMILIAL, 5. Identifiers: MedGen C1858379, MONDO:0011459, OMIM 604400.
Cardiovascular phenotype. Identifiers: MedGen CN230736.

Allele frequency attached by ClinVar (database versions not stated): gnomAD exomes below 0.00001 and 0.00004; gnomAD 0.00001 and 0.00003; ExAC 0.00004; 1000 Genomes Project 0.00020; 1000 Genomes Project 30x 0.00031.
gnomAD v4.1: 12 of 1,614,198 alleles (0.00074%); highest among the groups gnomAD compares: East Asian, 0.025%; no homozygotes.

Submissions (3):

Ambry Genetics
Classification: Likely benign for Cardiovascular phenotype. Last evaluated: 2024-11-10. Review status: criteria provided, single submitter. Criteria: Ambry Variant Classification Scheme 2023. Collection method: clinical testing. Allele origin: germline.

All of Us Research Program, National Institutes of Health
Classification: Likely benign for Arrhythmogenic right ventricular dysplasia 5. Last evaluated: 2023-07-10. Review status: criteria provided, single submitter. Criteria: ACMG Guidelines, 2015. Collection method: clinical testing. Allele origin: germline. Inheritance: Autosomal dominant inheritance. Observed: 2 variant alleles, 2 heterozygotes.
Comment: This study involves interpretation of variants in research participants for the purpose of population health screening. Participant phenotype was not available at the time of variant classification. Additional details can be found in publication PMID: 35346344, PMCID: PMC8962531

Labcorp Genetics (formerly Invitae), Labcorp
Classification: Likely benign for Arrhythmogenic right ventricular dysplasia 5. Last evaluated: 2019-04-11. Review status: criteria provided, single submitter. Criteria: Invitae Variant Classification Sherloc (09022015). Collection method: clinical testing. Allele origin: germline.

NM_024334.3(TMEM43):c.852G>A (p.Leu284=)

Gene: TMEM43 (transmembrane protein 43; plus strand). Cytogenetic location: 3p25.1.
Variant type: single nucleotide variant.
Coding change: c.852G>A on transcript NM_024334.3 (MANE Select); coding-DNA position 852, G replaced by A.
Protein change: p.Leu284=; no amino-acid change (leucine 284 retained).
Molecular consequence: synonymous variant.
Genome position (GRCh38, 1-based): chr3:14,135,878, G>A. VCF-style: chr3-14135878-G-A. GRCh37 (hg19) VCF-style: chr3-14177378-G-A.
Other names: c.852G>A (NM_024334.2).
Identifiers: ClinVar variation 1105702 (VCV001105702.6), dbSNP rs139211731, ClinGen allele CA055823.